The following is an entry in ClinVar:

ClinVar aggregate classification (germline): Uncertain significance. Review status: criteria provided, multiple submitters, no conflicts (2 of 4 stars). 2 submissions from 2 submitters: Uncertain significance (2). Last evaluated 2024-08-08.

Conditions:
Inborn genetic diseases. Identifiers: MedGen C0950123, MeSH D030342.

Allele frequency attached by ClinVar (database versions not stated): gnomAD 0.00003; ExAC 0.00004.

Submissions (2):

Labcorp Genetics (formerly Invitae), Labcorp
Classification: Uncertain significance. Last evaluated: 2024-08-08. Review status: criteria provided, single submitter. Criteria: Invitae Variant Classification Sherloc (09022015). Collection method: clinical testing. Allele origin: germline.
Comment: This sequence change replaces alanine, which is neutral and non-polar, with valine, which is neutral and non-polar, at codon 439 of the APC2 protein (p.Ala439Val). This variant is present in population databases (rs769001438, gnomAD 0.08%). This variant has not been reported in the literature in individuals affected with APC2-related conditions. ClinVar contains an entry for this variant (Variation ID: 2153309). Advanced modeling of protein sequence and biophysical properties (such as structural, functional, and spatial information, amino acid conservation, physicochemical variation, residue mobility, and thermodynamic stability) performed at Invitae indicates that this missense variant is expected to disrupt APC2 protein function with a positive predictive value of 80%. In summary, the available evidence is currently insufficient to determine the role of this variant in disease. Therefore, it has been classified as a Variant of Uncertain Significance.

Ambry Genetics
Classification: Uncertain significance for Inborn genetic diseases. Last evaluated: 2024-03-15. Review status: criteria provided, single submitter. Criteria: Ambry Variant Classification Scheme 2023. Collection method: clinical testing. Allele origin: germline.

NM_005883.3(APC2):c.1316C>T (p.Ala439Val)

Gene: APC2 (APC regulator of Wnt signaling pathway 2; plus strand). Cytogenetic location: 19p13.3.
Variant type: single nucleotide variant.
Coding change: c.1316C>T on transcript NM_005883.3 (MANE Select); coding-DNA position 1316, C replaced by T.
Protein change: p.Ala439Val; replaces alanine 439 with valine.
Molecular consequence: missense variant.
Genome position (GRCh38, 1-based): chr19:1,460,193, C>T. VCF-style: chr19-1460193-C-T. GRCh37 (hg19) VCF-style: chr19-1460192-C-T.
Other names: c.1313C>T, p.Ala438Val (NM_001351273.1); c.1316C>T (NM_005883.2); short protein forms A439V, A438V.
Identifiers: ClinVar variation 2153309 (VCV002153309.5), dbSNP rs769001438, ClinGen allele CA9045034.